The following is an entry in ClinVar:

ClinVar aggregate classification (germline): Uncertain significance. Review status: criteria provided, multiple submitters, no conflicts (2 of 4 stars). 4 submissions from 4 submitters: Uncertain significance (4). Last evaluated 2026-03-26.

Conditions:
Usher syndrome type 2C. Also called: USHER SYNDROME, TYPE IIC; Usher syndrome, type 2B. Identifiers: Orphanet 231178, Orphanet 886, MedGen C2931213, MONDO:0011558, OMIM 605472.
ADGRV1-related disorder. Also called: ADGRV1-related disorders; ADGRV1-related condition.

Allele frequency attached by ClinVar (database versions not stated): ExAC 0.00001; gnomAD exomes 0.00001; TOPMed 0.00005.
gnomAD v4.1: 33 of 1,572,522 alleles (0.0021%); highest among the groups gnomAD compares: Middle Eastern, 0.035%; no homozygotes.

Submissions (4):

PreventionGenetics, part of Exact Sciences
Classification: Uncertain significance for ADGRV1-related condition. Last evaluated: 2026-03-26. Review status: criteria provided, single submitter. Criteria: ACMG Guidelines, 2015. Collection method: clinical testing. Allele origin: germline.
Comment: The ADGRV1 c.18610G>A variant is predicted to result in the amino acid substitution p.Gly6204Ser. To our knowledge, this variant has not been reported in the literature. This variant is present in 0.0026% of alleles in individuals of European (Non-Finnish) descent in gnomAD. At this time, the clinical significance of this variant is uncertain due to the absence of conclusive functional and genetic evidence.

Blueprint Genetics
Classification: Uncertain significance. Last evaluated: 2024-10-08. Review status: criteria provided, single submitter. Criteria: ACMG Guidelines, 2015. Collection method: clinical testing. Allele origin: germline.

Labcorp Genetics (formerly Invitae), Labcorp
Classification: Uncertain significance. Last evaluated: 2024-01-02. Review status: criteria provided, single submitter. Criteria: Invitae Variant Classification Sherloc (09022015). Collection method: clinical testing. Allele origin: germline.
Comment: This sequence change replaces glycine, which is neutral and non-polar, with serine, which is neutral and polar, at codon 6204 of the ADGRV1 protein (p.Gly6204Ser). This variant is present in population databases (rs745735875, gnomAD 0.004%). This variant has not been reported in the literature in individuals affected with ADGRV1-related conditions. ClinVar contains an entry for this variant (Variation ID: 904382). Algorithms developed to predict the effect of missense changes on protein structure and function output the following: SIFT: "Not Available"; PolyPhen-2: "Benign"; Align-GVGD: "Not Available". The serine amino acid residue is found in multiple mammalian species, which suggests that this missense change does not adversely affect protein function. In summary, the available evidence is currently insufficient to determine the role of this variant in disease. Therefore, it has been classified as a Variant of Uncertain Significance.

Illumina Laboratory Services, Illumina
Classification: Uncertain significance for Usher syndrome type 2C. Last evaluated: 2018-01-12. Review status: criteria provided, single submitter. Criteria: ICSL Variant Classification Criteria 13 December 2019. Collection method: clinical testing. Allele origin: germline.

NM_032119.4(ADGRV1):c.18610G>A (p.Gly6204Ser)

Gene: ADGRV1 (adhesion G protein-coupled receptor V1; plus strand). Cytogenetic location: 5q14.3.
Variant type: single nucleotide variant.
Coding change: c.18610G>A on transcript NM_032119.4 (MANE Select); coding-DNA position 18610, G replaced by A.
Protein change: p.Gly6204Ser; replaces glycine 6204 with serine.
Molecular consequence: missense variant. On other transcripts: non-coding transcript variant (1).
Genome position (GRCh38, 1-based): chr5:91,150,207, G>A. VCF-style: chr5-91150207-G-A. GRCh37 (hg19) VCF-style: chr5-90446024-G-A.
Other names: short protein forms G6204S.
Identifiers: ClinVar variation 904382 (VCV000904382.10), dbSNP rs745735875, ClinGen allele CA3342695.